The following is an entry in ClinVar:

ClinVar aggregate classification (germline): Likely pathogenic (1 of 4 stars; one submission).

Conditions:
Primary dilated cardiomyopathy (DCM). Also called: Dilated Cardiomyopathy. Identifiers: Orphanet 217604, MedGen C0007193, MeSH D002311, MONDO:0005021, HP:0001644. Inheritance: Various modes of inheritance.

Submission:

Cardiovascular Biomedical Research Unit, Royal Brompton & Harefield NHS Foundation Trust
Classification: Likely pathogenic for Primary dilated cardiomyopathy. Last evaluated: 2014-10-08. Review status: criteria provided, single submitter. Criteria: Roberts et al. 2015. Collection method: research. Allele origin: germline. Inheritance: Autosomal dominant inheritance. Affected: yes. Observed: 1 variant allele. Study: Unselected DCM.
Comment: In the seven cohorts assessed, TTNtv were found in 14% of ambulant DCM, 22% end-stage or familial DCM, and 2% controls. Heterozygous nonsense, frameshift and canonical splice-disrupting variants found in constitutive and other highly utilised exons are highly likely to be pathogenic when identified in individuals with phenotypically confirmed DCM. TTNtv found incidentally in healthy individuals (excluding familial assessment of DCM relatives) are thought to have low penetrance, particularly when identified in exons that are not constitutively expressed in the heart.

NM_001267550.2(TTN):c.86641del (p.His28881fs)

Genes: TTN (titin; minus strand), TTN-AS1 (TTN antisense RNA 1; plus strand). Cytogenetic location: 2q31.2.
Variant type: Deletion.
Coding change: c.86641del on transcript NM_001267550.2 (MANE Select); coding-DNA position 86641, one base deleted (C; older notation c.86641delC).
Protein change: p.His28881fs; shifts the reading frame from histidine 28881.
Molecular consequence: frameshift variant.
Genome position (GRCh38, 1-based): chr2:178,559,491, G deleted on the plus strand (C on the coding strand, the reverse complement: TTN is on the minus strand); the first of 2 consecutive G bases (chr2:178,559,491-178,559,492); deleting either gives the same sequence. VCF-style (leftmost placement, unchanged base first): chr2-178559490-TG-T. GRCh37 (hg19) VCF-style: chr2-179424217-TG-T.
Other names: c.81718del, p.His27240fs (NM_001256850.1); c.59446del, p.His19816fs (NM_003319.4); c.78937del, p.His26313fs (NM_133378.4); c.59821del, p.His19941fs (NM_133432.3); c.60022del, p.His20008fs (NM_133437.4); c.86641delC (LRG_391t1); short protein forms H19816fs, H19941fs, H20008fs, H26313fs, H28881fs, H27240fs.
Identifiers: ClinVar variation 223296 (VCV000223296.1), dbSNP rs869312061, ClinGen allele CA353403.